The following is an entry in ClinVar:

NM_001355436.2(SPTB):c.6119C>G (p.Thr2040Arg)

Gene: SPTB (spectrin beta, erythrocytic; minus strand). Cytogenetic location: 14q23.3.
Variant type: single nucleotide variant.
Coding change: c.6119C>G on transcript NM_001355436.2 (MANE Select); coding-DNA position 6119, C replaced by G.
Protein change: p.Thr2040Arg; replaces threonine 2040 with arginine.
Molecular consequence: missense variant.
Genome position (GRCh38, 1-based): chr14:64,767,763, G>C on the plus strand (C>G on the coding strand, the complement: SPTB is on the minus strand). VCF-style: chr14-64767763-G-C. GRCh37 (hg19) VCF-style: chr14-65234481-G-C.
Other names: p.Thr2040Arg; c.6119C>G, p.Thr2040Arg (NM_001024858.4, NM_001355437.2); short protein forms T2040R.
Identifiers: ClinVar variation 4541837 (VCV004541837.1).
Genomic context (GRCh38, chr14:64,767,763, plus strand): 5'-CTGGCCGTGGACTTCTCAAAAGCCTCATGCCTCTTGATGAGCTTCTCCACACTGTCCACT[G>C]TGTGTCCAAAGTCCCCGCTGGCCAGGTAGGGCTCCTGGGCAATCAGCCACGCCTCAGCCA-3'
Protein context (NP_001342365.1, residues 2030-2050): PYLASGDFGH[Thr2040Arg]VDSVEKLIKR

ClinVar aggregate classification (germline): Uncertain significance (1 of 4 stars; one submission).

gnomAD v4.1: 5 of 1,614,180 alleles (0.00031%); highest among the groups gnomAD compares: Admixed American, 0.0017%; no homozygotes.

Submission:

Mayo Clinic Laboratories, Mayo Clinic
Classification: Uncertain significance. Last evaluated: 2025-08-20. Review status: criteria provided, single submitter. Criteria: ACMG Guidelines, 2015. Collection method: clinical testing. Allele origin: germline. Observed: 1 variant allele.
Comment: PM2_supporting